The following is an entry in ClinVar:

ClinVar aggregate classification (germline): no classifications from unflagged records (0 of 4 stars; one submission).

Conditions:
Dicarboxylic aminoaciduria (DCBXA). Also called: GLUTAMATE-ASPARTATE TRANSPORT DEFECT. Identifiers: Orphanet 2195, MedGen C1857253, MONDO:0009110, OMIM 222730.

Allele frequency attached by ClinVar (database versions not stated): gnomAD exomes below 0.00001; ExAC 0.00001.

Submission:

Genomic Medicine Center of Excellence, King Faisal Specialist Hospital and Research Centre
Classification: Likely pathogenic for Dicarboxylic aminoaciduria. Last evaluated: 2024-03-26. Review status: flagged submission. Criteria: ACMG Guidelines, 2015. Collection method: clinical testing. Allele origin: germline.
ClinVar note: Notes: Flagging candidate with reason of insufficient supporting evidence. This gene has been classified as having a limited gene-disease relationship by a ClinGen Expert Panel.
ClinVar note: Reason: P/LP classification for a variant in a gene with insufficient evidence for a gene-disease relationship

NM_004170.6(SLC1A1):c.484-2A>G

Gene: SLC1A1 (solute carrier family 1 member 1; plus strand). Cytogenetic location: 9p24.2.
Variant type: single nucleotide variant.
Coding change: c.484-2A>G on transcript NM_004170.6 (MANE Select); the canonical splice acceptor site of the intron before coding-DNA position 484, A replaced by G.
Molecular consequence: splice acceptor variant.
Genome position (GRCh38, 1-based): chr9:4,567,667, A>G. VCF-style: chr9-4567667-A-G. GRCh37 (hg19) VCF-style: chr9-4567667-A-G.
Identifiers: ClinVar variation 3065478 (VCV003065478.1), dbSNP rs770094009, ClinGen allele CA4969023.